The following is an entry in ClinVar:

NM_001048174.2(MUTYH):c.1409A>T (p.Gln470Leu)

Gene: MUTYH (mutY DNA glycosylase; minus strand). Cytogenetic location: 1p34.1.
Variant type: single nucleotide variant.
Coding change: c.1409A>T on transcript NM_001048174.2 (MANE Select); coding-DNA position 1409, A replaced by T.
Protein change: p.Gln470Leu; replaces glutamine 470 with leucine.
Molecular consequence: missense variant. On other transcripts: non-coding transcript variant (7).
Genome position (GRCh38, 1-based): chr1:45,330,541, T>A on the plus strand (A>T on the coding strand, the complement: MUTYH is on the minus strand). VCF-style: chr1-45330541-T-A. GRCh37 (hg19) VCF-style: chr1-45796213-T-A.
Other names: c.1442A>T, p.Gln481Leu (NM_001407077.1, NM_001293191.2, NM_001407069.1); c.1412A>T, p.Gln471Leu (NM_001407078.1, NM_001407086.1, NM_001048172.2 and 1 more transcripts); c.1370A>T, p.Gln457Leu (NM_001407079.1); c.1367A>T, p.Gln456Leu (NM_001407080.1); c.1409A>T, p.Gln470Leu (NM_001407081.1, NM_001407088.1, NM_001407089.1 and 6 more transcripts); c.1064A>T, p.Gln355Leu (NM_001407082.1, NM_001350650.2, NM_001350651.2); c.1451A>T, p.Gln484Leu (NM_001407083.1, NM_001407085.1); c.1430A>T, p.Gln477Leu (NM_001407087.1); and 5 more; short protein forms Q355L, Q495L, Q498L, Q378L, Q456L, Q481L, Q442L, Q477L.
Identifiers: ClinVar variation 4113280 (VCV004113280.1).

ClinVar aggregate classification (germline): Uncertain significance (1 of 4 stars; one submission).

Conditions:
Hereditary cancer-predisposing syndrome. Also called: Tumor predisposition; Neoplastic Syndromes, Hereditary; Hereditary neoplastic syndrome; Hereditary Cancer Syndrome. Identifiers: Orphanet 140162, MedGen C0027672, MeSH D009386, MONDO:0015356.

Submission:

Ambry Genetics
Classification: Uncertain significance for Hereditary cancer-predisposing syndrome. Last evaluated: 2025-08-27. Review status: criteria provided, single submitter. Criteria: Ambry Variant Classification Scheme 2023. Collection method: clinical testing. Allele origin: germline.
Comment: The p.Q498L variant (also known as c.1493A>T), located in coding exon 15 of the MUTYH gene, results from an A to T substitution at nucleotide position 1493. The glutamine at codon 498 is replaced by leucine, an amino acid with dissimilar properties. This amino acid position is conserved. In addition, this alteration is predicted to be tolerated by in silico analysis. Based on the available evidence, the clinical significance of this variant remains unclear.